The following is an entry in ClinVar:

ClinVar aggregate classification (germline): Likely pathogenic (1 of 4 stars; one submission).

Submission:

GeneDx
Classification: Likely pathogenic. Last evaluated: 2026-04-22. Review status: criteria provided, single submitter. Criteria: GeneDx Variant Classification Process June 2021. Collection method: clinical testing. Allele origin: germline.
Comment: RNA studies demonstrate a damaging effect: lowered SMPD4 expression (PMID: 36732302); Not observed at significant frequency in large population cohorts (gnomAD); This variant is associated with the following publications: (PMID: 36732302)

NM_017951.5(SMPD4):c.823del (p.Ser275fs)

Gene: SMPD4 (sphingomyelin phosphodiesterase 4; minus strand). Cytogenetic location: 2q21.1.
Variant type: Deletion.
Coding change: c.823del on transcript NM_017951.5 (MANE Select); coding-DNA position 823, one base deleted (T; older notation c.823delT).
Protein change: p.Ser275fs; shifts the reading frame from serine 275.
Molecular consequence: frameshift variant. On other transcripts: non-coding transcript variant (2).
Genome position (GRCh38, 1-based): chr2:130,164,415, A deleted on the plus strand (T on the coding strand, the reverse complement: SMPD4 is on the minus strand); the first of 2 consecutive A bases (chr2:130,164,415-130,164,416); deleting either gives the same sequence. VCF-style (leftmost placement, unchanged base first): chr2-130164414-GA-G. GRCh37 (hg19) VCF-style: chr2-130921987-GA-G.
Other names: c.721del, p.Ser241fs (NM_001171083.2); c.940del, p.Ser314fs (NM_017751.4); short protein forms S241fs, S275fs, S314fs.
Identifiers: ClinVar variation 5037712 (VCV005037712.1).
Genomic context (GRCh38, chr2:130,164,414, plus strand): 5'-AAGAAAAACTGAAAACATACCTTGGCATGAGGGGACTGCATTTTTTGATACATCTCCAAG[GA>G]ATAGTGATGAAGCCACATTTCAACAAAAACCTGCAAAAAAGCATTAGCTAGTCAAACCAT-3'